The following is an entry in ClinVar:

NM_003072.5(SMARCA4):c.2371G>A (p.Ala791Thr)

Gene: SMARCA4 (SWI/SNF related BAF chromatin remodeling complex subunit ATPase 4; plus strand). Cytogenetic location: 19p13.2.
Variant type: single nucleotide variant.
Coding change: c.2371G>A on transcript NM_003072.5 (MANE Select); coding-DNA position 2371, G replaced by A.
Protein change: p.Ala791Thr; replaces alanine 791 with threonine.
Molecular consequence: missense variant. On other transcripts: non-coding transcript variant (1).
Genome position (GRCh38, 1-based): chr19:11,013,045, G>A. VCF-style: chr19-11013045-G-A. GRCh37 (hg19) VCF-style: chr19-11123721-G-A.
Other names: c.2371G>A, p.Ala791Thr (NM_001128844.3, NM_001128845.2, NM_001128846.2 and 6 more transcripts); short protein forms A791T.
Identifiers: ClinVar variation 1790308 (VCV001790308.11), dbSNP rs2146279685, ClinGen allele CA404053213.

ClinVar aggregate classification (germline): Uncertain significance. Review status: criteria provided, multiple submitters, no conflicts (2 of 4 stars). 4 submissions from 4 submitters: Uncertain significance (4). Last evaluated 2025-05-16.

Conditions:
Rhabdoid tumor predisposition syndrome 2 (RTPS2). Identifiers: Orphanet 231108, Orphanet 69077, MedGen C2750074, MONDO:0013224, OMIM 613325.
SMARCA4-related disorder. Also called: SMARCA4-related condition.
Hereditary cancer-predisposing syndrome. Also called: Tumor predisposition; Hereditary neoplastic syndrome; Hereditary Cancer Syndrome; Neoplastic Syndromes, Hereditary. Identifiers: Orphanet 140162, MedGen C0027672, MeSH D009386, MONDO:0015356.

Allele frequency attached by ClinVar (database versions not stated): gnomAD exomes below 0.00001.
gnomAD v4.1: 1 of 1,614,100 alleles (0.000062%); highest among the groups gnomAD compares: Admixed American, 0.0017%; no homozygotes.

Submissions (4):

Labcorp Genetics (formerly Invitae), Labcorp
Classification: Uncertain significance for Rhabdoid tumor predisposition syndrome 2. Last evaluated: 2025-05-16. Review status: criteria provided, single submitter. Criteria: Invitae Variant Classification Sherloc (09022015). Collection method: clinical testing. Allele origin: germline.
Comment: This sequence change replaces alanine, which is neutral and non-polar, with threonine, which is neutral and polar, at codon 791 of the SMARCA4 protein (p.Ala791Thr). This variant is not present in population databases (gnomAD no frequency). This variant has not been reported in the literature in individuals affected with SMARCA4-related conditions. ClinVar contains an entry for this variant (Variation ID: 1790308). Invitae Evidence Modeling of protein sequence and biophysical properties (such as structural, functional, and spatial information, amino acid conservation, physicochemical variation, residue mobility, and thermodynamic stability) indicates that this missense variant is expected to disrupt SMARCA4 protein function with a positive predictive value of 95%. In summary, the available evidence is currently insufficient to determine the role of this variant in disease. Therefore, it has been classified as a Variant of Uncertain Significance.

PreventionGenetics, part of Exact Sciences
Classification: Uncertain significance for SMARCA4-related condition. Last evaluated: 2024-12-06. Review status: criteria provided, single submitter. Criteria: ACMG Guidelines, 2015. Collection method: clinical testing. Allele origin: germline.
Comment: The SMARCA4 c.2371G>A variant is predicted to result in the amino acid substitution p.Ala791Thr. To our knowledge, this variant has not been reported in the literature or in gnomAD, indicating this variant is rare. This variant has been classified as a variant of uncertain significance in ClinVar. At this time, the clinical significance of this variant is uncertain due to the absence of conclusive functional and genetic evidence.

Ambry Genetics
Classification: Uncertain significance for Hereditary cancer-predisposing syndrome. Last evaluated: 2024-10-09. Review status: criteria provided, single submitter. Criteria: Ambry Variant Classification Scheme 2023. Collection method: clinical testing. Allele origin: germline.
Comment: The p.A791T variant (also known as c.2371G>A), located in coding exon 15 of the SMARCA4 gene, results from a G to A substitution at nucleotide position 2371. The alanine at codon 791 is replaced by threonine, an amino acid with similar properties. This amino acid position is highly conserved in available vertebrate species. In addition, this alteration is predicted to be deleterious by in silico analysis. Based on the available evidence, the clinical significance of this variant remains unclear.

GeneDx
Classification: Uncertain significance. Last evaluated: 2024-09-30. Review status: criteria provided, single submitter. Criteria: GeneDx Variant Classification Process June 2021. Collection method: clinical testing. Allele origin: germline. Affected: yes.
Comment: Not observed at significant frequency in large population cohorts (gnomAD); In silico analysis supports that this missense variant has a deleterious effect on protein structure/function; Has not been previously published as pathogenic or benign to our knowledge; This variant is associated with the following publications: (PMID: 24658002)